The following is an entry in ClinVar:

ClinVar aggregate classification (germline): Pathogenic. Review status: reviewed by expert panel (3 of 4 stars). 2 submissions from 2 submitters: Pathogenic (1). 1 of the submissions does not count toward it. Last evaluated 2016-10-18.

Conditions:
Breast-ovarian cancer, familial, susceptibility to, 1 (BROVCA1). Also called: BRCA1 Hereditary Breast and Ovarian Cancer; OVARIAN CANCER, SUSCEPTIBILITY TO. Identifiers: Orphanet 145, MedGen C2676676, MONDO:0011450, OMIM 604370. Disease mechanism: loss of function.

Submissions (2):

Evidence-based Network for the Interpretation of Germline Mutant Alleles (ENIGMA)
Classification: Pathogenic for Breast-ovarian cancer, familial, susceptibility to, 1. Last evaluated: 2016-10-18. Review status: reviewed by expert panel. Criteria: ENIGMA BRCA1/2 Classification Criteria (2015). Collection method: curation. Allele origin: germline.
Comment: Variant allele predicted to encode a truncated non-functional protein.

Consortium of Investigators of Modifiers of BRCA1/2 (CIMBA), c/o University of Cambridge
Classification: Pathogenic for Breast-ovarian cancer, familial, susceptibility to, 1. Last evaluated: 2015-10-02. Review status: criteria provided, single submitter. Criteria: CIMBA Mutation Classification guidelines May 2016. Collection method: clinical testing. Allele origin: germline. Not counted in ClinVar's aggregate classification.

NM_007294.4(BRCA1):c.36_39del (p.Asn13fs)

Gene: BRCA1 (BRCA1 DNA repair associated; minus strand). Cytogenetic location: 17q21.31.
Variant type: Deletion.
Coding change: c.36_39del on transcript NM_007294.4 (MANE Select); coding-DNA positions 36 to 39, 4 bases deleted (AAAT; older notation c.36_39delAAAT).
Protein change: p.Asn13fs; shifts the reading frame from asparagine 13.
Molecular consequence: frameshift variant. On other transcripts: 5 prime UTR variant (1), non-coding transcript variant (1).
Genome position (GRCh38, 1-based): chr17:43,124,058-43,124,061, ATTT deleted on the plus strand (AAAT on the coding strand, the reverse complement: BRCA1 is on the minus strand). VCF-style (leftmost placement, unchanged base first): chr17-43124057-CATTT-C. GRCh37 (hg19) VCF-style: chr17-41276074-CATTT-C.
Other names: 155DEL4; c.-153_-150delAAAT (NM_001407887.1, NM_001407894.1, NM_001407895.1 and 46 more transcripts); c.-269_-266delAAAT (NM_001407889.1, NM_001408492.1); c.-99_-96delAAAT (NM_001407898.1, NM_001407902.1, NM_001407881.1); c.-272_-269delAAAT (NM_001407917.1, NM_001407954.1, NM_001408513.1); c.36_39delAAAT, p.Asn13Serfs (NM_001407919.1, NM_001407937.1, NM_001407938.1 and 192 more transcripts); c.-251_-248delAAAT (NM_001407920.1, NM_001407697.1, NM_001407846.1); c.-225_-222delAAAT (NM_001407921.1, NM_001407923.1, NM_001407927.1 and 22 more transcripts); and 11 more; short protein forms N13fs.
Identifiers: ClinVar variation 266390 (VCV000266390.6), dbSNP rs886040149, ClinGen allele CA10590048.
Genomic context (GRCh38, chr17:43,124,057, plus strand): 5'-ACACTCTTGTGCTGACTTACCAGATGGGACACTCTAAGATTTTCTGCATAGCATTAATGA[CATTT>C]TGTACTTCTTCAACGCGAAGAGCAGATAAATCCATTTCTTTCTGTTCCAATGAACTTTAA-3'